The following is an entry in ClinVar:

ClinVar aggregate classification (germline): Conflicting classifications of pathogenicity. Review status: criteria provided, conflicting classifications (1 of 4 stars). 5 submissions from 5 submitters: Uncertain significance (1); Likely benign (4). Last evaluated 2025-12-30.

Conditions:
PCDH15-related disorder. Also called: PCDH15-related disorders; PCDH15-related condition.

Allele frequency attached by ClinVar (database versions not stated): ExAC 0.00002; TOPMed 0.00002.
gnomAD v4.1: 31 of 1,613,266 alleles (0.0019%); highest among the groups gnomAD compares: Non-Finnish European, 0.0023%; no homozygotes.

Submissions (5):

Labcorp Genetics (formerly Invitae), Labcorp
Classification: Likely benign. Last evaluated: 2025-12-30. Review status: criteria provided, single submitter. Criteria: Invitae Variant Classification Sherloc (09022015). Collection method: clinical testing. Allele origin: germline.

PreventionGenetics, part of Exact Sciences
Classification: Likely benign for PCDH15-related condition. Last evaluated: 2025-09-30. Review status: criteria provided, single submitter. Criteria: ACMG Guidelines, 2015. Collection method: clinical testing. Allele origin: germline.
Comment: This variant is classified as likely benign based on ACMG/AMP sequence variant interpretation guidelines (Richards et al. 2015 PMID: 25741868, with internal and published modifications).

Blueprint Genetics
Classification: Likely benign. Last evaluated: 2024-04-24. Review status: criteria provided, single submitter. Criteria: ACMG Guidelines, 2015. Collection method: clinical testing. Allele origin: germline.

GeneDx
Classification: Likely benign. Last evaluated: 2021-04-02. Review status: criteria provided, single submitter. Criteria: GeneDx Variant Classification Process June 2021. Collection method: clinical testing. Allele origin: germline. Affected: yes.

Eurofins Ntd Llc (ga)
Classification: Uncertain significance. Last evaluated: 2016-10-17. Review status: criteria provided, single submitter. Criteria: EGL Classification Definitions 2015. Collection method: clinical testing. Allele origin: germline. Observed: 1 variant allele, 1 heterozygote.

NM_001384140.1(PCDH15):c.3699C>T (p.Ser1233=)

Gene: PCDH15 (protocadherin related 15; minus strand). Cytogenetic location: 10q21.1.
Variant type: single nucleotide variant.
Coding change: c.3699C>T on transcript NM_001384140.1 (MANE Select); coding-DNA position 3699, C replaced by T.
Protein change: p.Ser1233=; no amino-acid change (serine 1233 retained).
Molecular consequence: synonymous variant.
Genome position (GRCh38, 1-based): chr10:53,866,660, G>A on the plus strand (C>T on the coding strand, the complement: PCDH15 is on the minus strand). VCF-style: chr10-53866660-G-A. GRCh37 (hg19) VCF-style: chr10-55626420-G-A.
Other names: c.3699C>T, p.Ser1233= (NM_001142770.3, NM_001142772.2, NM_001354420.2 and 4 more transcripts); c.3714C>T, p.Ser1238= (NM_001142771.2, NM_001142763.2); c.3633C>T, p.Ser1211= (NM_001142773.2, NM_001354404.2, NM_001142768.2); c.3720C>T, p.Ser1240= (NM_001354411.2); c.3486C>T, p.Ser1162= (NM_001142765.2); c.3588C>T, p.Ser1196= (NM_001142767.2); c.3735C>T, p.Ser1245= (NM_001142769.4).
Identifiers: ClinVar variation 497542 (VCV000497542.20), dbSNP rs774857947, ClinGen allele CA5505592.